The following is an entry in ClinVar:

ClinVar aggregate classification (germline): Uncertain significance (1 of 4 stars; one submission).

Conditions:
SOX2-related disorder. Also called: SOX2-related condition.
Anophthalmia/microphthalmia-esophageal atresia syndrome (MCOPS3). Also called: AEG SYNDROME; MICROPHTHALMIA AND ESOPHAGEAL ATRESIA SYNDROME; SOX2 Disorder. Identifiers: Orphanet 77298, MedGen C1859773, MONDO:0008799, OMIM 206900.

Submission:

Centre for Mendelian Genomics, University Medical Centre Ljubljana
Classification: Uncertain significance for Anophthalmia/microphthalmia-esophageal atresia syndrome. Last evaluated: 2018-12-03. Review status: criteria provided, single submitter. Criteria: ACMG Guidelines, 2015. Collection method: clinical testing. Allele origin: unknown. Affected: yes.
Comment: This variant was classified as: Uncertain significance. The available evidence favors the pathogenic nature of this variant, however the currently available data is insufficient to conclusively support its pathogenic nature. Thus this variant is classified as Uncertain significance - favor pathogenic. The following ACMG criteria were applied in classifying this variant: PVS1,PM2,PP3.

NM_003106.4(SOX2):c.100C>T (p.Gln34Ter)

Genes: SOX2 (SRY-box transcription factor 2; plus strand), SOX2-OT (SOX2 overlapping transcript; plus strand), LOC108281177 (SOX2 5' regulatory region; plus strand). Cytogenetic location: 3q26.33.
Variant type: single nucleotide variant.
Coding change: c.100C>T on transcript NM_003106.4 (MANE Select); coding-DNA position 100, C replaced by T.
Protein change: p.Gln34Ter; replaces glutamine 34 with a stop codon.
Molecular consequence: nonsense.
Genome position (GRCh38, 1-based): chr3:181,712,460, C>T. VCF-style: chr3-181712460-C-T. GRCh37 (hg19) VCF-style: chr3-181430248-C-T.
Other names: short protein forms Q34*.
Identifiers: ClinVar variation 930243 (VCV000930243.5), dbSNP rs1714841256, ClinGen allele CA355473116.